The following is an entry in ClinVar:

NM_015294.6(TRIM37):c.1345A>T (p.Lys449Ter)

Gene: TRIM37 (tripartite motif containing 37; minus strand). Cytogenetic location: 17q22.
Variant type: single nucleotide variant.
Coding change: c.1345A>T on transcript NM_015294.6 (MANE Select); coding-DNA position 1345, A replaced by T.
Protein change: p.Lys449Ter; replaces lysine 449 with a stop codon.
Molecular consequence: nonsense. On other transcripts: non-coding transcript variant (2).
Genome position (GRCh38, 1-based): chr17:59,049,363, T>A on the plus strand (A>T on the coding strand, the complement: TRIM37 is on the minus strand). VCF-style: chr17-59049363-T-A. GRCh37 (hg19) VCF-style: chr17-57126724-T-A.
Other names: c.610A>T, p.Lys204Ter (NM_001353083.2); c.1345A>T, p.Lys449Ter (NM_001353084.2, NM_001005207.5, NM_001320988.3 and 1 more transcripts); c.883A>T, p.Lys295Ter (NM_001353085.2); c.1294A>T, p.Lys432Ter (NM_001353086.2); c.1243A>T, p.Lys415Ter (NM_001320987.3, NM_001353082.2); c.979A>T, p.Lys327Ter (NM_001320990.3); short protein forms K295*, K327*, K415*, K449*, K432*, K204*.
Identifiers: ClinVar variation 2698047 (VCV002698047.3), dbSNP rs2545606322, ClinGen allele CA400401135.

ClinVar aggregate classification (germline): Pathogenic (1 of 4 stars; one submission).

Submission:

Labcorp Genetics (formerly Invitae), Labcorp
Classification: Pathogenic. Last evaluated: 2023-11-25. Review status: criteria provided, single submitter. Criteria: Invitae Variant Classification Sherloc (09022015). Collection method: clinical testing. Allele origin: germline.
Comment: This sequence change creates a premature translational stop signal (p.Lys449*) in the TRIM37 gene. It is expected to result in an absent or disrupted protein product. Loss-of-function variants in TRIM37 are known to be pathogenic (PMID: 10888877, 15108285). This variant is not present in population databases (gnomAD no frequency). This variant has not been reported in the literature in individuals affected with TRIM37-related conditions. For these reasons, this variant has been classified as Pathogenic.

Literature cited by the submitters: PubMed 10888877; PubMed 15108285.